The following is an entry in ClinVar:

ClinVar aggregate classification (germline): Uncertain significance (1 of 4 stars; one submission).

Submission:

Labcorp Genetics (formerly Invitae), Labcorp
Classification: Uncertain significance. Last evaluated: 2025-08-26. Review status: criteria provided, single submitter. Criteria: Invitae Variant Classification Sherloc (09022015). Collection method: clinical testing. Allele origin: germline.
Comment: This variant, c.532_534del, results in the deletion of 1 amino acid(s) of the POLG2 protein (p.Ser178del), but otherwise preserves the integrity of the reading frame. This variant is present in population databases (rs781996176, gnomAD 0.007%). This variant has not been reported in the literature in individuals affected with POLG2-related conditions. ClinVar contains an entry for this variant (Variation ID: 1932277). Experimental studies and prediction algorithms are not available or were not evaluated, and the functional significance of this variant is currently unknown. In summary, the available evidence is currently insufficient to determine the role of this variant in disease. Therefore, it has been classified as a Variant of Uncertain Significance.

NM_007215.4(POLG2):c.532_534del (p.Ser178del)

Genes: POLG2 (DNA polymerase gamma 2, accessory subunit; minus strand), MILR1 (mast cell immunoglobulin like receptor 1; plus strand). Cytogenetic location: 17q23.3.
Variant type: Deletion.
Coding change: c.532_534del on transcript NM_007215.4 (MANE Select); coding-DNA positions 532 to 534, 3 bases deleted (TCT; older notation c.532_534delTCT).
Protein change: p.Ser178del; deletes serine 178.
Molecular consequence: inframe deletion.
Genome position (GRCh38, 1-based): chr17:64,496,435-64,496,437, AGA deleted on the plus strand (TCT on the coding strand, the reverse complement: POLG2 is on the minus strand); deleting any 3 consecutive bases within chr17:64,496,435-64,496,439 gives the same sequence; the c. name uses the placement nearest the transcript's 3' end. VCF-style (leftmost placement, unchanged base first): chr17-64496434-CAGA-C. GRCh37 (hg19) VCF-style: chr17-62492552-CAGA-C.
Other names: short protein forms S178del.
Identifiers: ClinVar variation 1932277 (VCV001932277.5), dbSNP rs781996176, ClinGen allele CA8713008.